The following is an entry in ClinVar:

ClinVar aggregate classification (germline): Uncertain significance (1 of 4 stars; one submission).

Conditions:
Wilms tumor 1 (WT1). Also called: Wilms tumor, somatic. Identifiers: Orphanet 654, MedGen CN033288, MONDO:0008679, OMIM 194070.
11p partial monosomy syndrome (WAGR). Also called: CHROMOSOME 11p13 DELETION SYNDROME; WAGR Spectrum Disorder; WAGR syndrome; WAGR Complex. Identifiers: Orphanet 893, MedGen C0206115, MONDO:0008681, OMIM 194072.
Frasier syndrome. Identifiers: Orphanet 347, MedGen C0950122, MeSH D052159, MONDO:0007635, OMIM 136680.
Drash syndrome (DDS). Also called: NEPHROPATHY, WILMS TUMOR, AND GENITAL ANOMALIES; WILMS TUMOR AND PSEUDO- OR TRUE HERMAPHRODITISM. Identifiers: Orphanet 220, MedGen C0950121, MONDO:0008682, OMIM 194080.

Allele frequency attached by ClinVar (database versions not stated): gnomAD exomes below 0.00001.
gnomAD v4.1: 1 of 1,612,930 alleles (0.000062%); highest among the groups gnomAD compares: Non-Finnish European, 0.000085%; no homozygotes.

Submission:

Labcorp Genetics (formerly Invitae), Labcorp
Classification: Uncertain significance for Wilms tumor 1; Drash syndrome; 11p partial monosomy syndrome; Frasier syndrome. Last evaluated: 2025-06-02. Review status: criteria provided, single submitter. Criteria: Invitae Variant Classification Sherloc (09022015). Collection method: clinical testing. Allele origin: germline.
Comment: This sequence change replaces glutamine, which is neutral and polar, with arginine, which is basic and polar, at codon 215 of the WT1 protein (p.Gln215Arg). This variant is not present in population databases (gnomAD no frequency). This variant has not been reported in the literature in individuals affected with WT1-related conditions. ClinVar contains an entry for this variant (Variation ID: 543130). An algorithm developed to predict the effect of missense changes on protein structure and function (PolyPhen-2) suggests that this variant is likely to be tolerated. In summary, the available evidence is currently insufficient to determine the role of this variant in disease. Therefore, it has been classified as a Variant of Uncertain Significance.

NM_024426.6(WT1):c.659A>G (p.Gln220Arg)

Genes: WT1 (WT1 transcription factor; minus strand), LOC107982234 (WT1/WT1-AS bi-directional promoter region; plus strand). Cytogenetic location: 11p13.
Variant type: single nucleotide variant.
Coding change: c.659A>G on transcript NM_024426.6 (MANE Select); coding-DNA position 659, A replaced by G.
Protein change: p.Gln220Arg; replaces glutamine 220 with arginine.
Molecular consequence: missense variant. On other transcripts: non-coding transcript variant (1).
Genome position (GRCh38, 1-based): chr11:32,434,702, T>C on the plus strand (A>G on the coding strand, the complement: WT1 is on the minus strand). VCF-style: chr11-32434702-T-C. GRCh37 (hg19) VCF-style: chr11-32456248-T-C.
Other names: c.659A>G, p.Gln220Arg (NM_000378.6, NM_024424.5); short protein forms Q220R.
Identifiers: ClinVar variation 543130 (VCV000543130.11), dbSNP rs1554946409, ClinGen allele CA379964387.